The following is an entry in ClinVar:

ClinVar aggregate classification (germline): Conflicting classifications of pathogenicity. Review status: criteria provided, conflicting classifications (1 of 4 stars). 2 submissions from 2 submitters: Likely pathogenic (1); Uncertain significance (1). Last evaluated 2024-09-30.

Conditions:
Infantile-onset X-linked spinal muscular atrophy. Also called: AMC, DISTAL, X-LINKED; ARTHROGRYPOSIS, X-LINKED, TYPE I; Spinal muscular atrophy, X-linked 2; SPINAL MUSCULAR ATROPHY, X-LINKED LETHAL INFANTILE; Spinal Muscular Atrophy, X-Linked Infantile. Identifiers: Orphanet 1145, MedGen C1844934, MONDO:0010532, OMIM 301830.
UBA1-related disorder. Also called: UBA1-related condition.

Submissions (2):

Blueprint Genetics
Classification: Likely pathogenic for UBA1-related disorders. Last evaluated: 2024-09-30. Review status: criteria provided, single submitter. Criteria: ACMG Guidelines, 2015. Collection method: clinical testing. Allele origin: germline. Affected: yes. Observed: 1 variant allele.

Labcorp Genetics (formerly Invitae), Labcorp
Classification: Uncertain significance for Infantile-onset X-linked spinal muscular atrophy. Last evaluated: 2021-10-20. Review status: criteria provided, single submitter. Criteria: Invitae Variant Classification Sherloc (09022015). Collection method: clinical testing. Allele origin: germline.
Comment: This variant has not been reported in the literature in individuals affected with UBA1-related conditions. Algorithms developed to predict the effect of missense changes on protein structure and function are either unavailable or do not agree on the potential impact of this missense change (SIFT: "Deleterious"; PolyPhen-2: "Probably Damaging"; Align-GVGD: "Class C0"). In summary, the available evidence is currently insufficient to determine the role of this variant in disease. Therefore, it has been classified as a Variant of Uncertain Significance. This sequence change replaces aspartic acid with asparagine at codon 506 of the UBA1 protein (p.Asp506Asn). The aspartic acid residue is highly conserved and there is a small physicochemical difference between aspartic acid and asparagine. This variant is not present in population databases (ExAC no frequency).

NM_003334.4(UBA1):c.1516G>A (p.Asp506Asn)

Gene: UBA1 (ubiquitin like modifier activating enzyme 1; plus strand). Cytogenetic location: Xp11.3.
Variant type: single nucleotide variant.
Coding change: c.1516G>A on transcript NM_003334.4 (MANE Select); coding-DNA position 1516, G replaced by A.
Protein change: p.Asp506Asn; replaces aspartic acid 506 with asparagine.
Molecular consequence: missense variant.
Genome position (GRCh38, 1-based): chrX:47,203,637, G>A. VCF-style: chrX-47203637-G-A. GRCh37 (hg19) VCF-style: chrX-47063036-G-A.
Other names: c.1516G>A, p.Asp506Asn (NM_153280.3); short protein forms D506N.
Identifiers: ClinVar variation 1492782 (VCV001492782.7), dbSNP rs2147263751, ClinGen allele CA412798765.